The following is an entry in ClinVar:

ClinVar aggregate classification (germline): Uncertain significance (1 of 4 stars; one submission).

Conditions:
EGFR-related lung cancer (EGFR). Identifiers: MedGen CN130014.

Submission:

Labcorp Genetics (formerly Invitae), Labcorp
Classification: Uncertain significance for EGFR-related lung cancer. Last evaluated: 2025-09-22. Review status: criteria provided, single submitter. Criteria: Invitae Variant Classification Sherloc (09022015). Collection method: clinical testing. Allele origin: germline.
Comment: This sequence change replaces alanine, which is neutral and non-polar, with threonine, which is neutral and polar, at codon 653 of the EGFR protein (p.Ala653Thr). This variant is not present in population databases (gnomAD no frequency). This variant has not been reported in the literature in individuals affected with EGFR-related conditions. ClinVar contains an entry for this variant (Variation ID: 1902066). Invitae Evidence Modeling of protein sequence and biophysical properties (such as structural, functional, and spatial information, amino acid conservation, physicochemical variation, residue mobility, and thermodynamic stability) indicates that this missense variant is not expected to disrupt EGFR protein function with a negative predictive value of 80%. In summary, the available evidence is currently insufficient to determine the role of this variant in disease. Therefore, it has been classified as a Variant of Uncertain Significance.

NM_005228.5(EGFR):c.1957G>A (p.Ala653Thr)

Gene: EGFR (epidermal growth factor receptor; plus strand). Cytogenetic location: 7p11.2.
Variant type: single nucleotide variant.
Coding change: c.1957G>A on transcript NM_005228.5 (MANE Select); coding-DNA position 1957, G replaced by A.
Protein change: p.Ala653Thr; replaces alanine 653 with threonine.
Molecular consequence: missense variant.
Genome position (GRCh38, 1-based): chr7:55,173,020, G>A. VCF-style: chr7-55173020-G-A. GRCh37 (hg19) VCF-style: chr7-55240713-G-A.
Other names: c.1822G>A, p.Ala608Thr (NM_001346897.2, NM_001346899.2); c.1957G>A, p.Ala653Thr (NM_001346898.2); c.1798G>A, p.Ala600Thr (NM_001346900.2); c.1156G>A, p.Ala386Thr (NM_001346941.2); short protein forms A608T, A386T, A653T, A600T.
Identifiers: ClinVar variation 1902066 (VCV001902066.5), dbSNP rs1467640610, ClinGen allele CA367582974.